The following is an entry in ClinVar:

NM_003906.5(MCM3AP):c.5770A>G (p.Thr1924Ala)

Genes: MCM3AP-AS1 (MCM3AP antisense RNA 1; plus strand), MCM3AP (minichromosome maintenance complex component 3 associated protein; minus strand). Cytogenetic location: 21q22.3.
Variant type: single nucleotide variant.
Coding change: c.5770A>G on transcript NM_003906.5 (MANE Select); coding-DNA position 5770, A replaced by G.
Protein change: p.Thr1924Ala; replaces threonine 1924 with alanine.
Molecular consequence: missense variant.
Genome position (GRCh38, 1-based): chr21:46,236,843, T>C on the plus strand (A>G on the coding strand, the complement: MCM3AP is on the minus strand). VCF-style: chr21-46236843-T-C. GRCh37 (hg19) VCF-style: chr21-47656757-T-C.
Other names: short protein forms T1924A.
Identifiers: ClinVar variation 2132812 (VCV002132812.1), dbSNP rs2517282249, ClinGen allele CA410534552.

ClinVar aggregate classification (germline): Uncertain significance (1 of 4 stars; one submission).

Submission:

Labcorp Genetics (formerly Invitae), Labcorp
Classification: Uncertain significance. Last evaluated: 2022-10-25. Review status: criteria provided, single submitter. Criteria: Invitae Variant Classification Sherloc (09022015). Collection method: clinical testing. Allele origin: germline.
Comment: This sequence change replaces threonine, which is neutral and polar, with alanine, which is neutral and non-polar, at codon 1924 of the MCM3AP protein (p.Thr1924Ala). This variant is not present in population databases (gnomAD no frequency). This variant has not been reported in the literature in individuals affected with MCM3AP-related conditions. Algorithms developed to predict the effect of missense changes on protein structure and function output the following: SIFT: "Tolerated"; PolyPhen-2: "Benign"; Align-GVGD: "Class C0". The alanine amino acid residue is found in multiple mammalian species, which suggests that this missense change does not adversely affect protein function. In summary, the available evidence is currently insufficient to determine the role of this variant in disease. Therefore, it has been classified as a Variant of Uncertain Significance.